The following is an entry in ClinVar:

ClinVar aggregate classification (germline): Pathogenic (1 of 4 stars; one submission).

Conditions:
Aicardi-Goutieres syndrome 5. Identifiers: Orphanet 51, MedGen C2749659, MONDO:0013059, OMIM 612952.

Submission:

Labcorp Genetics (formerly Invitae), Labcorp
Classification: Pathogenic for Aicardi-Goutieres syndrome 5. Last evaluated: 2019-06-25. Review status: criteria provided, single submitter. Criteria: Invitae Variant Classification Sherloc (09022015). Collection method: clinical testing. Allele origin: germline.
Comment: This sequence change creates a premature translational stop signal (p.Leu369Thrfs*3) in the SAMHD1 gene. It is expected to result in an absent or disrupted protein product. This variant is not present in population databases (ExAC no frequency). This variant has not been reported in the literature in individuals with SAMHD1-related conditions. Loss-of-function variants in SAMHD1 are known to be pathogenic (PMID: 19525956, 22461318). For these reasons, this variant has been classified as Pathogenic.

Literature cited by the submitters: PubMed 19525956; PubMed 22461318.

NM_015474.4(SAMHD1):c.1105_1106del (p.Leu369fs)

Gene: SAMHD1 (SAM and HD domain containing deoxynucleoside triphosphate triphosphohydrolase 1; minus strand). Cytogenetic location: 20q11.23.
Variant type: Deletion.
Coding change: c.1105_1106del on transcript NM_015474.4 (MANE Select); coding-DNA positions 1105 to 1106, 2 bases deleted (TT; older notation c.1105_1106delTT).
Protein change: p.Leu369fs; shifts the reading frame from leucine 369.
Molecular consequence: frameshift variant.
Genome position (GRCh38, 1-based): chr20:36,912,509-36,912,510, AA deleted on the plus strand (TT on the coding strand, the reverse complement: SAMHD1 is on the minus strand); deleting any 2 consecutive bases within chr20:36,912,509-36,912,511 gives the same sequence; the c. name uses the placement nearest the transcript's 3' end. VCF-style (leftmost placement, unchanged base first): chr20-36912508-TAA-T. GRCh37 (hg19) VCF-style: chr20-35540911-TAA-T.
Other names: c.1105_1106del, p.Leu369fs (NM_001363729.2, NM_001363733.2); short protein forms L369fs.
Identifiers: ClinVar variation 946951 (VCV000946951.7), dbSNP rs2063446897, ClinGen allele CA1139666689.